The following is an entry in ClinVar:

ClinVar aggregate classification (germline): Uncertain significance (1 of 4 stars; one submission).

Conditions:
Catecholaminergic polymorphic ventricular tachycardia (CVPT). Also called: Catecholamine-induced polymorphic ventricular tachycardia. Identifiers: Orphanet 3286, MedGen C5574922, MONDO:0017990.

Submission:

All of Us Research Program, National Institutes of Health
Classification: Uncertain significance for Catecholaminergic polymorphic ventricular tachycardia. Last evaluated: 2023-03-28. Review status: criteria provided, single submitter. Criteria: ACMG Guidelines, 2015. Collection method: clinical testing. Allele origin: germline. Inheritance: Autosomal dominant inheritance. Observed: 1 variant allele, 1 heterozygote.
Comment: This study involves interpretation of variants in research participants for the purpose of population health screening. Participant phenotype was not available at the time of variant classification. Additional details can be found in publication PMID: 35346344, PMCID: PMC8962531

NM_001035.3(RYR2):c.1180C>A (p.His394Asn)

Gene: RYR2 (ryanodine receptor 2; plus strand). Cytogenetic location: 1q43.
Variant type: single nucleotide variant.
Coding change: c.1180C>A on transcript NM_001035.3 (MANE Select); coding-DNA position 1180, C replaced by A.
Protein change: p.His394Asn; replaces histidine 394 with asparagine.
Molecular consequence: missense variant.
Genome position (GRCh38, 1-based): chr1:237,445,410, C>A. VCF-style: chr1-237445410-C-A. GRCh37 (hg19) VCF-style: chr1-237608710-C-A.
Other names: short protein forms H394N.
Identifiers: ClinVar variation 3069960 (VCV003069960.1), dbSNP rs2528378629, ClinGen allele CA345377358.